The following is an entry in ClinVar:

NM_001127222.2(CACNA1A):c.1247_1248dup (p.Phe417fs)

Gene: CACNA1A (calcium voltage-gated channel subunit alpha1 A; minus strand). Cytogenetic location: 19p13.13.
Variant type: Duplication.
Coding change: c.1247_1248dup on transcript NM_001127222.2 (MANE Select); coding-DNA positions 1247 to 1248, 2 bases duplicated (CC; older notation c.1247_1248dupCC).
Protein change: p.Phe417fs; shifts the reading frame from phenylalanine 417.
Molecular consequence: frameshift variant.
Genome position (GRCh38, 1-based): chr19:13,332,876-13,332,877, GG duplicated on the plus strand (CC on the coding strand, the reverse complement: CACNA1A is on the minus strand); duplicating any 2 consecutive bases within chr19:13,332,876-13,332,878 gives the same sequence; the c. name uses the placement nearest the transcript's 3' end. VCF-style (leftmost placement, unchanged base first): chr19-13332875-A-AGG. GRCh37 (hg19) VCF-style: chr19-13443689-A-AGG.
Other names: c.1247_1248dupCC (NM_001127221.1); c.1247_1248dup, p.Phe417fs (NM_000068.4, NM_001127221.2, NM_001174080.2 and 1 more transcripts); short protein forms F417fs.
Identifiers: ClinVar variation 648071 (VCV000648071.9), dbSNP rs1600353301, ClinGen allele CA915952911.

ClinVar aggregate classification (germline): Pathogenic (1 of 4 stars; one submission).

Conditions:
Developmental and epileptic encephalopathy, 42 (DEE42A). Also called: Epileptic encephalopathy, early infantile, 42; DEVELOPMENTAL AND EPILEPTIC ENCEPHALOPATHY 42A; EPILEPTIC ENCEPHALOPATHY, EARLY INFANTILE, 42A. Identifiers: MedGen C4310716, MONDO:0014917, OMIM 617106.
Episodic ataxia type 2 (EA2). Also called: CEREBELLAR ATAXIA, PAROXYSMAL, ACETAZOLAMIDE-RESPONSIVE; CEREBELLOPATHY, HEREDITARY PAROXYSMAL; EPISODIC ATAXIA, NYSTAGMUS-ASSOCIATED; ATAXIA, EPISODIC, WITH NYSTAGMUS; ATAXIA, FAMILIAL PAROXYSMAL; ACETAZOLAMIDE-RESPONSIVE HEREDITARY PAROXYSMAL CEREBELLAR ATAXIA. Identifiers: Orphanet 97, MedGen C1720416, MONDO:0007163, OMIM 108500.

Submission:

Labcorp Genetics (formerly Invitae), Labcorp
Classification: Pathogenic for Developmental and epileptic encephalopathy, 42; Episodic ataxia type 2. Last evaluated: 2019-07-18. Review status: criteria provided, single submitter. Criteria: Invitae Variant Classification Sherloc (09022015). Collection method: clinical testing. Allele origin: germline.
Comment: For these reasons, this variant has been classified as Pathogenic. Loss-of-function variants in CACNA1A are known to be pathogenic (PMID: 10371528, 19486177, 25735478, 27250579). This variant has not been reported in the literature in individuals with CACNA1A-related disease. This variant is not present in population databases (ExAC no frequency). This sequence change creates a premature translational stop signal (p.Phe417Profs*11) in the CACNA1A gene. It is expected to result in an absent or disrupted protein product.

Literature cited by the submitters: PubMed 10371528; PubMed 19486177; PubMed 25735478; PubMed 27250579.